The following is an entry in ClinVar:

NM_198578.4(LRRK2):c.2818T>G (p.Phe940Val)

Gene: LRRK2 (leucine rich repeat kinase 2; plus strand). Cytogenetic location: 12q12.
Variant type: single nucleotide variant.
Coding change: c.2818T>G on transcript NM_198578.4 (MANE Select); coding-DNA position 2818, T replaced by G.
Protein change: p.Phe940Val; replaces phenylalanine 940 with valine.
Molecular consequence: missense variant.
Genome position (GRCh38, 1-based): chr12:40,294,854, T>G. VCF-style: chr12-40294854-T-G. GRCh37 (hg19) VCF-style: chr12-40688656-T-G.
Other names: short protein forms F940V.
Identifiers: ClinVar variation 577777 (VCV000577777.10), dbSNP rs953836925, ClinGen allele CA235346463.
Genomic context (GRCh38, chr12:40,294,854, plus strand): 5'-CCTCTTCTCCAATAAATGACAGCAATTTTATTATAAATTATTTTTTAATAGGGGCCCATT[T>G]TTGATCATGAAGATTTACTGAAGCGAAAAAGAAAAATATTATCTTCAGATGATTCACTCA-3'
Protein context (NP_940980.4, residues 930-950): QRHSNSLGPI[Phe940Val]DHEDLLKRKR

ClinVar aggregate classification (germline): Uncertain significance. Review status: criteria provided, multiple submitters, no conflicts (2 of 4 stars). 2 submissions from 2 submitters: Uncertain significance (2). Last evaluated 2024-01-15.

Conditions:
Inborn genetic diseases. Identifiers: MedGen C0950123, MeSH D030342.
Autosomal dominant Parkinson disease 8. Also called: Parkinson disease 8, susceptibility to; LRRK2-Related Parkinson Disease; Parkinson disease 8. Identifiers: Orphanet 411602, MedGen C1846862, MONDO:0011764, OMIM 607060.

Allele frequency attached by ClinVar (database versions not stated): gnomAD exomes 0.00001; gnomAD 0.00003; TOPMed 0.00002.
gnomAD v4.1: 22 of 1,540,250 alleles (0.0014%); highest among the groups gnomAD compares: Non-Finnish European, 0.0018%; no homozygotes.

Submissions (2):

Ambry Genetics
Classification: Uncertain significance for Inborn genetic diseases. Last evaluated: 2024-01-15. Review status: criteria provided, single submitter. Criteria: Ambry Variant Classification Scheme 2023. Collection method: clinical testing. Allele origin: germline.
Comment: The p.F940V variant (also known as c.2818T>G), located in coding exon 22 of the LRRK2 gene, results from a T to G substitution at nucleotide position 2818. The phenylalanine at codon 940 is replaced by valine, an amino acid with highly similar properties. This amino acid position is conserved. In addition, this alteration is predicted to be tolerated by in silico analysis. Since supporting evidence is limited at this time, the clinical significance of this alteration remains unclear.

Labcorp Genetics (formerly Invitae), Labcorp
Classification: Uncertain significance for Autosomal dominant Parkinson disease 8. Last evaluated: 2022-01-18. Review status: criteria provided, single submitter. Criteria: Invitae Variant Classification Sherloc (09022015). Collection method: clinical testing. Allele origin: germline.
Comment: ClinVar contains an entry for this variant (Variation ID: 577777). This sequence change replaces phenylalanine, which is neutral and non-polar, with valine, which is neutral and non-polar, at codon 940 of the LRRK2 protein (p.Phe940Val). The frequency data for this variant in the population databases is considered unreliable, as metrics indicate poor data quality at this position in the gnomAD database. This variant has not been reported in the literature in individuals affected with LRRK2-related conditions. Algorithms developed to predict the effect of missense changes on protein structure and function (SIFT, PolyPhen-2, Align-GVGD) all suggest that this variant is likely to be tolerated. In summary, the available evidence is currently insufficient to determine the role of this variant in disease. Therefore, it has been classified as a Variant of Uncertain Significance.